The following is an entry in ClinVar:

NM_004360.5(CDH1):c.872ATG[1] (p.Asp292del)

Gene: CDH1 (cadherin 1; plus strand). Cytogenetic location: 16q22.1.
Variant type: Microsatellite.
Coding change: c.872ATG[1] on transcript NM_004360.5 (MANE Select); one copy of the 3-base unit ATG starting at c.872; the reference has two copies in a row; one copy, 3 bases deleted.
Protein change: p.Asp292del; deletes aspartic acid 292.
Molecular consequence: inframe deletion. On other transcripts: 5 prime UTR variant (2).
Genome position (GRCh38, 1-based): chr16:68,811,726-68,811,728, ATG deleted; deleting any 3 consecutive bases within chr16:68,811,722-68,811,728 gives the same sequence; the position shown is the placement nearest the transcript's 3' end. VCF-style (leftmost placement, unchanged base first): chr16-68811721-CGAT-C. GRCh37 (hg19) VCF-style: chr16-68845624-CGAT-C.
Other names: c.872ATG[1], p.Asp292del (NM_001317184.2); c.-744ATG[1] (NM_001317185.2); c.-948ATG[1] (NM_001317186.2); short protein forms D292del.
Identifiers: ClinVar variation 483228 (VCV000483228.14), dbSNP rs1555515607, ClinGen allele CA658658482.

ClinVar aggregate classification (germline): Uncertain significance. Review status: criteria provided, multiple submitters, no conflicts (2 of 4 stars). 2 submissions from 2 submitters: Uncertain significance (2). Last evaluated 2023-03-30.

Conditions:
Hereditary cancer-predisposing syndrome. Also called: Hereditary neoplastic syndrome; Neoplastic Syndromes, Hereditary; Tumor predisposition; Hereditary Cancer Syndrome. Identifiers: Orphanet 140162, MedGen C0027672, MeSH D009386, MONDO:0015356.
Hereditary diffuse gastric adenocarcinoma (HDGC). Also called: DIFFUSE GASTRIC AND LOBULAR BREAST CANCER SYNDROME. Identifiers: Orphanet 26106, MedGen C1708349, MONDO:0007648, OMIM 137215.

Submissions (2):

Ambry Genetics
Classification: Uncertain significance for Hereditary cancer-predisposing syndrome. Last evaluated: 2023-03-30. Review status: criteria provided, single submitter. Criteria: Ambry Variant Classification Scheme 2023. Collection method: clinical testing. Allele origin: germline.
Comment: The c.875_877delATG variant (also known as p.D292del) is located in coding exon 7 of the CDH1 gene. This variant results from an in-frame ATG deletion at nucleotide positions 875 to 877. This results in the in-frame deletion of an aspartic acid at codon 292. This amino acid position is not well conserved in available vertebrate species. In addition, the in silico prediction for this alteration is inconclusive (Choi Y et al. PLoS ONE. 2012; 7(10):e46688). Since supporting evidence is limited at this time, the clinical significance of this alteration remains unclear.

Labcorp Genetics (formerly Invitae), Labcorp
Classification: Uncertain significance for Hereditary diffuse gastric adenocarcinoma. Last evaluated: 2020-09-10. Review status: criteria provided, single submitter. Criteria: Invitae Variant Classification Sherloc (09022015). Collection method: clinical testing. Allele origin: germline.
Comment: This variant is not present in population databases (ExAC no frequency). In summary, the available evidence is currently insufficient to determine the role of this variant in disease. Therefore, it has been classified as a Variant of Uncertain Significance. Experimental studies and prediction algorithms are not available or were not evaluated, and the functional significance of this variant is currently unknown. This variant has not been reported in the literature in individuals with CDH1-related conditions. ClinVar contains an entry for this variant (Variation ID: 483228). This variant, c.875_877del, results in the deletion of 1 amino acid(s) of the CDH1 protein (p.Asp292del), but otherwise preserves the integrity of the reading frame.